The following is an entry in ClinVar:

ClinVar aggregate classification (germline): Uncertain significance (1 of 4 stars; one submission).

Allele frequency attached by ClinVar (database versions not stated): gnomAD exomes below 0.00001.
gnomAD v4.1: 4 of 1,613,822 alleles (0.00025%); highest among the groups gnomAD compares: South Asian, 0.0044%; no homozygotes.

Submission:

Labcorp Genetics (formerly Invitae), Labcorp
Classification: Uncertain significance. Last evaluated: 2022-09-27. Review status: criteria provided, single submitter. Criteria: Invitae Variant Classification Sherloc (09022015). Collection method: clinical testing. Allele origin: germline.
Comment: In summary, the available evidence is currently insufficient to determine the role of this variant in disease. Therefore, it has been classified as a Variant of Uncertain Significance. Algorithms developed to predict the effect of missense changes on protein structure and function are either unavailable or do not agree on the potential impact of this missense change (SIFT: "Tolerated"; PolyPhen-2: "Probably Damaging"; Align-GVGD: "Class C0"). This variant has not been reported in the literature in individuals affected with PROM1-related conditions. This variant is present in population databases (no rsID available, gnomAD 0.007%). This sequence change replaces glutamine, which is neutral and polar, with arginine, which is basic and polar, at codon 22 of the PROM1 protein (p.Gln22Arg).

NM_006017.3(PROM1):c.65A>G (p.Gln22Arg)

Gene: PROM1 (prominin 1; minus strand). Cytogenetic location: 4p15.32.
Variant type: single nucleotide variant.
Coding change: c.65A>G on transcript NM_006017.3 (MANE Select); coding-DNA position 65, A replaced by G.
Protein change: p.Gln22Arg; replaces glutamine 22 with arginine.
Molecular consequence: missense variant.
Genome position (GRCh38, 1-based): chr4:16,075,842, T>C on the plus strand (A>G on the coding strand, the complement: PROM1 is on the minus strand). VCF-style: chr4-16075842-T-C. GRCh37 (hg19) VCF-style: chr4-16077465-T-C.
Other names: c.65A>G, p.Gln22Arg (NM_001145847.2, NM_001145848.2, NM_001145849.2 and 6 more transcripts); short protein forms Q22R.
Identifiers: ClinVar variation 1720517 (VCV001720517.5), dbSNP rs1388891015, ClinGen allele CA356438227.